The following is an entry in ClinVar:

NM_052947.4(ALPK2):c.530T>G (p.Leu177Trp)

Gene: ALPK2 (alpha kinase 2; minus strand). Cytogenetic location: 18q21.31.
Variant type: single nucleotide variant.
Coding change: c.530T>G on transcript NM_052947.4 (MANE Select); coding-DNA position 530, T replaced by G.
Protein change: p.Leu177Trp; replaces leucine 177 with tryptophan.
Molecular consequence: missense variant.
Genome position (GRCh38, 1-based): chr18:58,580,246, A>C on the plus strand (T>G on the coding strand, the complement: ALPK2 is on the minus strand). VCF-style: chr18-58580246-A-C. GRCh37 (hg19) VCF-style: chr18-56247478-A-C.
Other names: short protein forms L177W.
Identifiers: ClinVar variation 1746761 (VCV001746761.3), dbSNP rs1185480527, ClinGen allele CA402567775.

ClinVar aggregate classification (germline): Uncertain significance (1 of 4 stars; one submission).

Allele frequency attached by ClinVar (database versions not stated): TOPMed below 0.00001; gnomAD 0.00001.
gnomAD v4.1: 1 of 1,614,088 alleles (0.000062%); highest among the groups gnomAD compares: Non-Finnish European, 0.000085%; no homozygotes.

Submission:

Ambry Genetics
Classification: Uncertain significance. Last evaluated: 2024-08-18. Review status: criteria provided, single submitter. Criteria: Ambry Variant Classification Scheme 2023. Collection method: clinical testing. Allele origin: germline.
Comment: The p.L177W variant (also known as c.530T>G), located in coding exon 3 of the ALPK2 gene, results from a T to G substitution at nucleotide position 530. The leucine at codon 177 is replaced by tryptophan, an amino acid with similar properties. This amino acid position is conserved. In addition, this alteration is predicted to be tolerated by in silico analysis. Since supporting evidence is limited at this time, the clinical significance of this alteration remains unclear.